The following is an entry in ClinVar:

NM_000368.5(TSC1):c.2620A>C (p.Thr874Pro)

Gene: TSC1 (TSC complex subunit 1; minus strand). Cytogenetic location: 9q34.13.
Variant type: single nucleotide variant.
Coding change: c.2620A>C on transcript NM_000368.5 (MANE Select); coding-DNA position 2620, A replaced by C.
Protein change: p.Thr874Pro; replaces threonine 874 with proline.
Molecular consequence: missense variant.
Genome position (GRCh38, 1-based): chr9:132,900,720, T>G on the plus strand (A>C on the coding strand, the complement: TSC1 is on the minus strand). VCF-style: chr9-132900720-T-G. GRCh37 (hg19) VCF-style: chr9-135776107-T-G.
Other names: c.2617A>C, p.Thr873Pro (NM_001162426.2); c.2467A>C, p.Thr823Pro (NM_001162427.2); c.2257A>C, p.Thr753Pro (NM_001362177.2); short protein forms T874P, T823P, T873P, T753P.
Identifiers: ClinVar variation 486590 (VCV000486590.12), dbSNP rs1554814368, ClinGen allele CA375369840.

ClinVar aggregate classification (germline): Uncertain significance. Review status: criteria provided, multiple submitters, no conflicts (2 of 4 stars). 3 submissions from 3 submitters: Uncertain significance (3). Last evaluated 2025-02-25.

Conditions:
Hereditary cancer-predisposing syndrome. Also called: Tumor predisposition; Neoplastic Syndromes, Hereditary; Hereditary Cancer Syndrome; Hereditary neoplastic syndrome. Identifiers: Orphanet 140162, MedGen C0027672, MeSH D009386, MONDO:0015356.
Tuberous sclerosis 1 (TSC1). Identifiers: Orphanet 805, MedGen C1854465, MONDO:0008612, OMIM 191100.

Submissions (3):

Labcorp Genetics (formerly Invitae), Labcorp
Classification: Uncertain significance for Tuberous sclerosis 1. Last evaluated: 2025-02-25. Review status: criteria provided, single submitter. Criteria: Invitae Variant Classification Sherloc (09022015). Collection method: clinical testing. Allele origin: germline.
Comment: This sequence change replaces threonine, which is neutral and polar, with proline, which is neutral and non-polar, at codon 874 of the TSC1 protein (p.Thr874Pro). This variant is not present in population databases (gnomAD no frequency). This variant has not been reported in the literature in individuals affected with TSC1-related conditions. ClinVar contains an entry for this variant (Variation ID: 486590). Invitae Evidence Modeling of protein sequence and biophysical properties (such as structural, functional, and spatial information, amino acid conservation, physicochemical variation, residue mobility, and thermodynamic stability) indicates that this missense variant is not expected to disrupt TSC1 protein function with a negative predictive value of 95%. In summary, the available evidence is currently insufficient to determine the role of this variant in disease. Therefore, it has been classified as a Variant of Uncertain Significance.

Sema4
Classification: Uncertain significance for Hereditary cancer-predisposing syndrome. Last evaluated: 2021-06-27. Review status: criteria provided, single submitter. Criteria: Sema4 Curation Guidelines. Collection method: curation. Allele origin: germline.
Comment: The TSC1 c.2620A>C (p.T874P) variant has not been reported in the literature to our knowledge. It was not observed in the large and broad cohorts of the Genome Aggregation Database (PMID: 32461654). The variant has been reported in ClinVar (Variation ID 486590). In silico tools suggest the impact of the variant on protein function is inconclusive, though these predictions have not been confirmed by functional studies. The evidence is insufficient to meet ACMG/AMP criteria for classifying the variant as benign or pathogenic. Thus, the clinical significance of this variant is currently uncertain.

Ambry Genetics
Classification: Uncertain significance for Hereditary cancer-predisposing syndrome. Last evaluated: 2016-11-25. Review status: criteria provided, single submitter. Criteria: Ambry Variant Classification Scheme 2023. Collection method: clinical testing. Allele origin: germline.
Comment: The p.T874P variant (also known as c.2620A>C), located in coding exon 18 of the TSC1 gene, results from an A to C substitution at nucleotide position 2620. The threonine at codon 874 is replaced by proline, an amino acid with highly similar properties. This amino acid position is well conserved in available vertebrate species. In addition, the in silico prediction for this alteration is inconclusive. Since supporting evidence is limited at this time, the clinical significance of this alteration remains unclear.